The following is an entry in ClinVar:

ClinVar aggregate classification (germline): Uncertain significance. Review status: criteria provided, multiple submitters, no conflicts (2 of 4 stars). 2 submissions from 2 submitters: Uncertain significance (2). Last evaluated 2024-04-12.

Allele frequency attached by ClinVar (database versions not stated): gnomAD exomes 0.00002; ExAC 0.00004; TOPMed 0.00006; gnomAD 0.00007.
gnomAD v4.1: 40 of 1,604,788 alleles (0.0025%); highest among the groups gnomAD compares: Admixed American, 0.017%; no homozygotes.

Submissions (2):

Blueprint Genetics
Classification: Uncertain significance. Last evaluated: 2024-04-12. Review status: criteria provided, single submitter. Criteria: ACMG Guidelines, 2015. Collection method: clinical testing. Allele origin: germline.

Labcorp Genetics (formerly Invitae), Labcorp
Classification: Uncertain significance. Last evaluated: 2022-04-06. Review status: criteria provided, single submitter. Criteria: Invitae Variant Classification Sherloc (09022015). Collection method: clinical testing. Allele origin: germline.
Comment: This sequence change replaces arginine, which is basic and polar, with tryptophan, which is neutral and slightly polar, at codon 1074 of the HSPG2 protein (p.Arg1074Trp). In summary, the available evidence is currently insufficient to determine the role of this variant in disease. Therefore, it has been classified as a Variant of Uncertain Significance. Algorithms developed to predict the effect of missense changes on protein structure and function are either unavailable or do not agree on the potential impact of this missense change (SIFT: "Deleterious"; PolyPhen-2: "Probably Damaging"; Align-GVGD: "Class C0"). This variant has not been reported in the literature in individuals affected with HSPG2-related conditions. This variant is present in population databases (rs746789780, gnomAD 0.05%).

NM_005529.7(HSPG2):c.3220C>T (p.Arg1074Trp)

Gene: HSPG2 (heparan sulfate proteoglycan 2; minus strand). Cytogenetic location: 1p36.12.
Variant type: single nucleotide variant.
Coding change: c.3220C>T on transcript NM_005529.7 (MANE Select); coding-DNA position 3220, C replaced by T.
Protein change: p.Arg1074Trp; replaces arginine 1074 with tryptophan.
Molecular consequence: missense variant.
Genome position (GRCh38, 1-based): chr1:21,875,711, G>A on the plus strand (C>T on the coding strand, the complement: HSPG2 is on the minus strand). VCF-style: chr1-21875711-G-A. GRCh37 (hg19) VCF-style: chr1-22202204-G-A.
Other names: c.3223C>T, p.Arg1075Trp (NM_001291860.2); short protein forms R1075W, R1074W.
Identifiers: ClinVar variation 2185991 (VCV002185991.3), dbSNP rs746789780, ClinGen allele CA672726.